The following is an entry in ClinVar:

ClinVar aggregate classification (germline): Uncertain significance. Review status: criteria provided, multiple submitters, no conflicts (2 of 4 stars). 2 submissions from 2 submitters: Uncertain significance (2). Last evaluated 2023-08-10.

Conditions:
Inborn genetic diseases. Identifiers: MedGen C0950123, MeSH D030342.
Methylcobalamin deficiency type cblG (HMAG). Also called: Functional methionine synthase deficiency type cblG; HOMOCYSTINURIA-MEGALOBLASTIC ANEMIA DUE TO DEFECT IN COBALAMIN METABOLISM, cblG COMPLEMENTATION TYPE; HOMOCYSTINURIA-MEGALOBLASTIC ANEMIA, cblG COMPLEMENTATION TYPE; HOMOCYSTINURIA-MEGALOBLASTIC ANEMIA, cblG TYPE. Identifiers: Orphanet 2170, Orphanet 622, MedGen C1855128, MONDO:0009609, OMIM 250940.

Allele frequency attached by ClinVar (database versions not stated): gnomAD 0.00001.
gnomAD v4.1: 29 of 1,613,924 alleles (0.0018%); highest among the groups gnomAD compares: Non-Finnish European, 0.0024%; no homozygotes.

Submissions (2):

Ambry Genetics
Classification: Uncertain significance for Inborn genetic diseases. Last evaluated: 2023-08-10. Review status: criteria provided, single submitter. Criteria: Ambry Variant Classification Scheme 2023. Collection method: clinical testing. Allele origin: germline.

Labcorp Genetics (formerly Invitae), Labcorp
Classification: Uncertain significance for Methylcobalamin deficiency type cblG. Last evaluated: 2022-09-27. Review status: criteria provided, single submitter. Criteria: Invitae Variant Classification Sherloc (09022015). Collection method: clinical testing. Allele origin: germline.
Comment: This sequence change replaces histidine, which is basic and polar, with proline, which is neutral and non-polar, at codon 624 of the MTR protein (p.His624Pro). This variant is present in population databases (rs767887287, gnomAD 0.005%). This variant has not been reported in the literature in individuals affected with MTR-related conditions. Advanced modeling of protein sequence and biophysical properties (such as structural, functional, and spatial information, amino acid conservation, physicochemical variation, residue mobility, and thermodynamic stability) performed at Invitae indicates that this missense variant is not expected to disrupt MTR protein function. In summary, the available evidence is currently insufficient to determine the role of this variant in disease. Therefore, it has been classified as a Variant of Uncertain Significance.

NM_000254.3(MTR):c.1871A>C (p.His624Pro)

Gene: MTR (5-methyltetrahydrofolate-homocysteine methyltransferase; plus strand). Cytogenetic location: 1q43.
Variant type: single nucleotide variant.
Coding change: c.1871A>C on transcript NM_000254.3 (MANE Select); coding-DNA position 1871, A replaced by C.
Protein change: p.His624Pro; replaces histidine 624 with proline.
Molecular consequence: missense variant.
Genome position (GRCh38, 1-based): chr1:236,853,006, A>C. VCF-style: chr1-236853006-A-C. GRCh37 (hg19) VCF-style: chr1-237016306-A-C.
Other names: c.1871A>C (NM_000254.2); c.1871A>C, p.His624Pro (NM_001291939.1, NM_001410942.1); c.650A>C, p.His217Pro (NM_001291940.2); short protein forms H217P, H624P.
Identifiers: ClinVar variation 2176490 (VCV002176490.3), dbSNP rs767887287, ClinGen allele CA1474200.